The following is an entry in ClinVar:

ClinVar aggregate classification (germline): Uncertain significance (1 of 4 stars; one submission).

Submission:

Labcorp Genetics (formerly Invitae), Labcorp
Classification: Uncertain significance. Last evaluated: 2022-08-13. Review status: criteria provided, single submitter. Criteria: Invitae Variant Classification Sherloc (09022015). Collection method: clinical testing. Allele origin: germline.
Comment: In summary, the available evidence is currently insufficient to determine the role of this variant in disease. Therefore, it has been classified as a Variant of Uncertain Significance. Algorithms developed to predict the effect of missense changes on protein structure and function (SIFT, PolyPhen-2, Align-GVGD) all suggest that this variant is likely to be tolerated. This variant has not been reported in the literature in individuals affected with VAC14-related conditions. This variant is not present in population databases (gnomAD no frequency). This sequence change replaces histidine, which is basic and polar, with asparagine, which is neutral and polar, at codon 65 of the VAC14 protein (p.His65Asn).

NM_018052.5(VAC14):c.193C>A (p.His65Asn)

Gene: VAC14 (VAC14 component of PIKFYVE complex; minus strand). Cytogenetic location: 16q22.1.
Variant type: single nucleotide variant.
Coding change: c.193C>A on transcript NM_018052.5 (MANE Select); coding-DNA position 193, C replaced by A.
Protein change: p.His65Asn; replaces histidine 65 with asparagine.
Molecular consequence: missense variant. On other transcripts: intron variant (1).
Genome position (GRCh38, 1-based): chr16:70,786,277, G>T on the plus strand (C>A on the coding strand, the complement: VAC14 is on the minus strand). VCF-style: chr16-70786277-G-T. GRCh37 (hg19) VCF-style: chr16-70820180-G-T.
Other names: c.-447-408C>A (NM_001351157.2); short protein forms H65N.
Identifiers: ClinVar variation 1716386 (VCV001716386.5), dbSNP rs769080139, ClinGen allele CA396612671.